The following is an entry in ClinVar:

NM_003701.4(TNFSF11):c.28A>G (p.Lys10Glu)

Genes: TNFSF11 (TNF superfamily member 11; plus strand), LOC130009662 (ATAC-STARR-seq lymphoblastoid silent region 5301; plus strand). Cytogenetic location: 13q14.11.
Variant type: single nucleotide variant.
Coding change: c.28A>G on transcript NM_003701.4 (MANE Select); coding-DNA position 28, A replaced by G.
Protein change: p.Lys10Glu; replaces lysine 10 with glutamic acid.
Molecular consequence: missense variant. On other transcripts: intron variant (1).
Genome position (GRCh38, 1-based): chr13:42,574,331, A>G. VCF-style: chr13-42574331-A-G. GRCh37 (hg19) VCF-style: chr13-43148467-A-G.
Other names: c.-1+2593A>G (NM_033012.4); short protein forms K10E.
Identifiers: ClinVar variation 1465669 (VCV001465669.8), dbSNP rs2137852268, ClinGen allele CA388214178.
Genomic context (GRCh38, chr13:42,574,331, plus strand): 5'-GAGGAGAGCTCCGAAGCGAGAGGGCCGAGCGCCATGCGCCGCGCCAGCAGAGACTACACC[A>G]AGTACCTGCGTGGCTCGGAGGAGATGGGCGGCGGCCCCGGAGCCCCGCACGAGGGCCCCC-3'
Protein context (NP_003692.1, residues 1-20): MRRASRDYT[Lys10Glu]YLRGSEEMGG

ClinVar aggregate classification (germline): Uncertain significance (1 of 4 stars; one submission).

Submission:

Labcorp Genetics (formerly Invitae), Labcorp
Classification: Uncertain significance. Last evaluated: 2023-08-30. Review status: criteria provided, single submitter. Criteria: Invitae Variant Classification Sherloc (09022015). Collection method: clinical testing. Allele origin: germline.
Comment: This sequence change replaces lysine, which is basic and polar, with glutamic acid, which is acidic and polar, at codon 10 of the TNFSF11 protein (p.Lys10Glu). This variant is not present in population databases (gnomAD no frequency). This variant has not been reported in the literature in individuals affected with TNFSF11-related conditions. ClinVar contains an entry for this variant (Variation ID: 1465669). An algorithm developed to predict the effect of missense changes on protein structure and function (PolyPhen-2) suggests that this variant is likely to be tolerated. In summary, the available evidence is currently insufficient to determine the role of this variant in disease. Therefore, it has been classified as a Variant of Uncertain Significance.